The following is an entry in ClinVar:

ClinVar aggregate classification (germline): Benign (1 of 4 stars; one submission).

Allele frequency attached by ClinVar (database versions not stated): gnomAD 0.75257 and 0.75939; 1000 Genomes Project 0.82228; TOPMed 0.76271; 1000 Genomes Project 30x 0.81230; gnomAD exomes 0.77561.

Submission:

GeneDx
Classification: Benign. Last evaluated: 2018-06-14. Review status: criteria provided, single submitter. Criteria: GeneDx Variant Classification (06012015). Collection method: clinical testing. Allele origin: germline. Affected: yes.
Comment: This variant is considered likely benign or benign based on one or more of the following criteria: it is a conservative change, it occurs at a poorly conserved position in the protein, it is predicted to be benign by multiple in silico algorithms, and/or has population frequency not consistent with disease.

NM_016098.3(MPC1):c.-356A>G

Genes: MPC1 (mitochondrial pyruvate carrier 1; minus strand), MPC1-DT (MPC1 divergent transcript; plus strand), LOC129997661 (ATAC-STARR-seq lymphoblastoid silent region 17777; plus strand). Cytogenetic location: 6q27.
Variant type: single nucleotide variant.
Coding change: c.-356A>G on transcript NM_016098.3; 356 bases upstream of the start codon, A replaced by G.
Molecular consequence: non-coding transcript variant (on NR_189630.1).
Genome position (GRCh38, 1-based): chr6:166,383,232, T>C on the plus strand (A>G on the coding strand, the complement: MPC1 is on the minus strand). VCF-style: chr6-166383232-T-C. GRCh37 (hg19) VCF-style: chr6-166796720-T-C.
Identifiers: ClinVar variation 682625 (VCV000682625.3), dbSNP rs9283865, ClinGen allele CA12257325.